The following is an entry in ClinVar:

ClinVar aggregate classification (germline): Uncertain significance. Review status: criteria provided, multiple submitters, no conflicts (2 of 4 stars). 2 submissions from 2 submitters: Uncertain significance (2). Last evaluated 2025-03-26.

Conditions:
Developmental and epileptic encephalopathy, 45 (DEE45). Also called: Epileptic encephalopathy, early infantile, 45. Identifiers: MedGen C4310691, MONDO:0014942, OMIM 617153.

Allele frequency attached by ClinVar (database versions not stated): ExAC 0.00001; gnomAD exomes below 0.00001; TOPMed 0.00001; gnomAD 0.00002.
gnomAD v4.1: 9 of 1,612,526 alleles (0.00056%); highest among the groups gnomAD compares: Middle Eastern, 0.016%; no homozygotes.

Submissions (2):

Labcorp Genetics (formerly Invitae), Labcorp
Classification: Uncertain significance. Last evaluated: 2025-03-26. Review status: criteria provided, single submitter. Criteria: Invitae Variant Classification Sherloc (09022015). Collection method: clinical testing. Allele origin: germline.
Comment: This sequence change replaces serine, which is neutral and polar, with glycine, which is neutral and non-polar, at codon 370 of the GABRB1 protein (p.Ser370Gly). This variant is present in population databases (rs767031899, gnomAD 0.002%). This variant has not been reported in the literature in individuals affected with GABRB1-related conditions. ClinVar contains an entry for this variant (Variation ID: 1962993). Invitae Evidence Modeling of protein sequence and biophysical properties (such as structural, functional, and spatial information, amino acid conservation, physicochemical variation, residue mobility, and thermodynamic stability) indicates that this missense variant is not expected to disrupt GABRB1 protein function with a negative predictive value of 80%. In summary, the available evidence is currently insufficient to determine the role of this variant in disease. Therefore, it has been classified as a Variant of Uncertain Significance.

Neuberg Centre For Genomic Medicine, NCGM
Classification: Uncertain significance for Developmental and epileptic encephalopathy, 45. Last evaluated: 2023-06-22. Review status: criteria provided, single submitter. Criteria: ACMG Guidelines, 2015. Collection method: clinical testing. Allele origin: germline. Inheritance: Autosomal dominant inheritance. Affected: yes.
Comment: The observed missense c.1108A>G(p.Ser370Gly) variant in GABRB1 gene has not been reported previously as a pathogenic variant nor as a benign variant, to our knowledge. This variant is reported with the allele frequency of 0.001% in the gnomAD Exomes. This variant has been reported to the ClinVar database as Uncertain Significance. However, no details are available for independent assessment. The amino acid Ser at position 370 is changed to a Gly changing protein sequence and it might alter its composition and physico-chemical properties. The amino acid change p.Ser370Gly in GABRB1 is predicted as conserved by GERP++ and PhyloP across 100 vertebrates. Computational evidence (Polyphen - Benign, SIFT - Tolerated, and MutationTaster - Disease causing) predicts conflicting evidence on protein structure and function for this variant. For these reasons, this variant has been classified as Uncertain Significance.

NM_000812.4(GABRB1):c.1108A>G (p.Ser370Gly)

Gene: GABRB1 (gamma-aminobutyric acid type A receptor subunit beta1; plus strand). Cytogenetic location: 4p12.
Variant type: single nucleotide variant.
Coding change: c.1108A>G on transcript NM_000812.4 (MANE Select); coding-DNA position 1108, A replaced by G.
Protein change: p.Ser370Gly; replaces serine 370 with glycine.
Molecular consequence: missense variant.
Genome position (GRCh38, 1-based): chr4:47,425,701, A>G. VCF-style: chr4-47425701-A-G. GRCh37 (hg19) VCF-style: chr4-47427718-A-G.
Other names: short protein forms S370G.
Identifiers: ClinVar variation 1962993 (VCV001962993.5), dbSNP rs767031899, ClinGen allele CA2907761.